The following is an entry in ClinVar:

NM_001211.6(BUB1B):c.1730T>C (p.Val577Ala)

Gene: BUB1B (BUB1 mitotic checkpoint serine/threonine kinase B; plus strand). Cytogenetic location: 15q15.1.
Variant type: single nucleotide variant.
Coding change: c.1730T>C on transcript NM_001211.6 (MANE Select); coding-DNA position 1730, T replaced by C.
Protein change: p.Val577Ala; replaces valine 577 with alanine.
Molecular consequence: missense variant.
Genome position (GRCh38, 1-based): chr15:40,202,690, T>C. VCF-style: chr15-40202690-T-C. GRCh37 (hg19) VCF-style: chr15-40494891-T-C.
Other names: short protein forms V577A.
Identifiers: ClinVar variation 1778976 (VCV001778976.2), dbSNP rs2542559595, ClinGen allele CA391691740.

ClinVar aggregate classification (germline): Uncertain significance (1 of 4 stars; one submission).

Conditions:
Inborn genetic diseases. Identifiers: MedGen C0950123, MeSH D030342.

Submission:

Ambry Genetics
Classification: Uncertain significance for Inborn genetic diseases. Last evaluated: 2021-08-23. Review status: criteria provided, single submitter. Criteria: Ambry Variant Classification Scheme 2023. Collection method: clinical testing. Allele origin: germline.
Comment: The p.V577A variant (also known as c.1730T>C), located in coding exon 14 of the BUB1B gene, results from a T to C substitution at nucleotide position 1730. The valine at codon 577 is replaced by alanine, an amino acid with similar properties. This amino acid position is conserved. In addition, this alteration is predicted to be tolerated by in silico analysis. Since supporting evidence is limited at this time, the clinical significance of this alteration remains unclear.